The following is an entry in ClinVar:

ClinVar aggregate classification (germline): Uncertain significance (1 of 4 stars; one submission).

Conditions:
Primary immunodeficiency with post-measles-mumps-rubella vaccine viral infection. Also called: Immunodeficiency 44. Identifiers: Orphanet 431166, MedGen C4225260, MONDO:0014715, OMIM 616636.

Allele frequency attached by ClinVar (database versions not stated): gnomAD exomes 0.00001 and 0.00004; ExAC 0.00004; TOPMed 0.00007; ESP Exome Variant Server 0.00008; gnomAD 0.00010 and 0.00011; 1000 Genomes Project 30x 0.00016; 1000 Genomes Project 0.00020.
gnomAD v4.1: 34 of 1,614,190 alleles (0.0021%); highest among the groups gnomAD compares: African/African-American, 0.037%; no homozygotes.

Submission:

Labcorp Genetics (formerly Invitae), Labcorp
Classification: Uncertain significance for Primary immunodeficiency with post-measles-mumps-rubella vaccine viral infection. Last evaluated: 2024-01-18. Review status: criteria provided, single submitter. Criteria: Invitae Variant Classification Sherloc (09022015). Collection method: clinical testing. Allele origin: germline.
Comment: This sequence change falls in intron 13 of the STAT2 gene. It does not directly change the encoded amino acid sequence of the STAT2 protein. It affects a nucleotide within the consensus splice site. This variant is present in population databases (rs111996676, gnomAD 0.04%). This variant has not been reported in the literature in individuals affected with STAT2-related conditions. ClinVar contains an entry for this variant (Variation ID: 1360604). Variants that disrupt the consensus splice site are a relatively common cause of aberrant splicing (PMID: 17576681, 9536098). Algorithms developed to predict the effect of sequence changes on RNA splicing suggest that this variant may disrupt the consensus splice site. In summary, the available evidence is currently insufficient to determine the role of this variant in disease. Therefore, it has been classified as a Variant of Uncertain Significance.

Literature cited by the submitters: PubMed 17576681; PubMed 9536098.

NM_005419.4(STAT2):c.1210-3C>T

Gene: STAT2 (signal transducer and activator of transcription 2; minus strand). Cytogenetic location: 12q13.3.
Variant type: single nucleotide variant.
Coding change: c.1210-3C>T on transcript NM_005419.4 (MANE Select); 3 bases into the intron before coding-DNA position 1210, C replaced by T.
Molecular consequence: intron variant.
Genome position (GRCh38, 1-based): chr12:56,349,639, G>A on the plus strand (C>T on the coding strand, the complement: STAT2 is on the minus strand). VCF-style: chr12-56349639-G-A. GRCh37 (hg19) VCF-style: chr12-56743423-G-A.
Other names: c.1177-3C>T (NM_001385110.1); c.1198-3C>T (NM_001385115.1, NM_198332.2); c.1189-3C>T (NM_001385114.1); c.1210-3C>T (NM_001385111.1, NM_001385113.1).
Identifiers: ClinVar variation 1360604 (VCV001360604.4), dbSNP rs111996676, ClinGen allele CA6630591.